The following is an entry in ClinVar:

ClinVar aggregate classification (germline): Likely benign (0 of 4 stars; one submission).

Conditions:
NR0B2-related disorder. Also called: NR0B2-related condition.

gnomAD v4.1: 15 of 1,613,872 alleles (0.00093%); highest among the groups gnomAD compares: Non-Finnish European, 0.0013%; no homozygotes.

Submission:

PreventionGenetics, part of Exact Sciences
Classification: Likely benign for NR0B2-related condition. Last evaluated: 2024-03-29. Review status: no assertion criteria provided. Collection method: clinical testing. Allele origin: germline.
Comment: This variant is classified as likely benign based on ACMG/AMP sequence variant interpretation guidelines (Richards et al. 2015 PMID: 25741868, with internal and published modifications).

NM_021969.3(NR0B2):c.405G>A (p.Leu135=)

Genes: NR0B2 (nuclear receptor subfamily 0 group B member 2; minus strand), NUDC (nuclear distribution C, dynein complex regulator; plus strand). Cytogenetic location: 1p36.11.
Variant type: single nucleotide variant.
Coding change: c.405G>A on transcript NM_021969.3 (MANE Select); coding-DNA position 405, G replaced by A.
Protein change: p.Leu135=; no amino-acid change (leucine 135 retained).
Molecular consequence: synonymous variant.
Genome position (GRCh38, 1-based): chr1:26,913,536, C>T on the plus strand (G>A on the coding strand, the complement: NR0B2 is on the minus strand). VCF-style: chr1-26913536-C-T. GRCh37 (hg19) VCF-style: chr1-27240027-C-T.
Identifiers: ClinVar variation 3357921 (VCV003357921.1).